The following is an entry in ClinVar:

NM_005012.4(ROR1):c.2207G>C (p.Arg736Thr)

Gene: ROR1 (receptor tyrosine kinase like orphan receptor 1; plus strand). Cytogenetic location: 1p31.3.
Variant type: single nucleotide variant.
Coding change: c.2207G>C on transcript NM_005012.4 (MANE Select); coding-DNA position 2207, G replaced by C.
Protein change: p.Arg736Thr; replaces arginine 736 with threonine.
Molecular consequence: missense variant.
Genome position (GRCh38, 1-based): chr1:64,178,248, G>C. VCF-style: chr1-64178248-G-C. GRCh37 (hg19) VCF-style: chr1-64643931-G-C.
Other names: short protein forms R736T.
Identifiers: ClinVar variation 437889 (VCV000437889.1), dbSNP rs1553163562, ClinGen allele CA340646205.

ClinVar aggregate classification (germline): no classifications from unflagged records (0 of 4 stars; one submission).

Conditions:
Hearing loss, autosomal recessive 108. Also called: DEAFNESS, AUTOSOMAL RECESSIVE 108. Identifiers: MedGen C4539997, MONDO:0033200, OMIM 617654.

Submission:

OMIM
Classification: Pathogenic for DEAFNESS, AUTOSOMAL RECESSIVE 108 (1 family). Last evaluated: 2017-09-13. Review status: flagged submission. Collection method: literature only. Allele origin: germline.
ClinVar note: Notes: Flagging candidate with reason of insufficient supporting evidence. This gene has been classified as having a limited gene-disease relationship by a ClinGen Expert Panel.
ClinVar note: Reason: Other

Literature cited by the submitters: PubMed 27162350.